The following is an entry in ClinVar:

NM_000094.4(COL7A1):c.1136C>T (p.Ser379Leu)

Gene: COL7A1 (collagen type VII alpha 1 chain; minus strand). Cytogenetic location: 3p21.31.
Variant type: single nucleotide variant.
Coding change: c.1136C>T on transcript NM_000094.4 (MANE Select); coding-DNA position 1136, C replaced by T.
Protein change: p.Ser379Leu; replaces serine 379 with leucine.
Molecular consequence: missense variant.
Genome position (GRCh38, 1-based): chr3:48,592,206, G>A on the plus strand (C>T on the coding strand, the complement: COL7A1 is on the minus strand). VCF-style: chr3-48592206-G-A. GRCh37 (hg19) VCF-style: chr3-48629639-G-A.
Other names: short protein forms S379L.
Identifiers: ClinVar variation 1951348 (VCV001951348.2), dbSNP rs2531323268, ClinGen allele CA352738004.

ClinVar aggregate classification (germline): Uncertain significance (1 of 4 stars; one submission).

Submission:

Labcorp Genetics (formerly Invitae), Labcorp
Classification: Uncertain significance. Last evaluated: 2021-05-25. Review status: criteria provided, single submitter. Criteria: Invitae Variant Classification Sherloc (09022015). Collection method: clinical testing. Allele origin: germline.
Comment: This sequence change replaces serine with leucine at codon 379 of the COL7A1 protein (p.Ser379Leu). The serine residue is moderately conserved and there is a large physicochemical difference between serine and leucine. This variant is not present in population databases (ExAC no frequency). This variant has not been reported in the literature in individuals with COL7A1-related conditions. Algorithms developed to predict the effect of missense changes on protein structure and function are either unavailable or do not agree on the potential impact of this missense change (SIFT: "Deleterious"; PolyPhen-2: "Not Available"; Align-GVGD: "Class C0"). In summary, the available evidence is currently insufficient to determine the role of this variant in disease. Therefore, it has been classified as a Variant of Uncertain Significance.